The following is an entry in ClinVar:

ClinVar aggregate classification (germline): Uncertain significance (1 of 4 stars; one submission).

Allele frequency attached by ClinVar (database versions not stated): gnomAD exomes below 0.00001.

Submission:

Labcorp Genetics (formerly Invitae), Labcorp
Classification: Uncertain significance. Last evaluated: 2021-05-14. Review status: criteria provided, single submitter. Criteria: Invitae Variant Classification Sherloc (09022015). Collection method: clinical testing. Allele origin: germline.
Comment: This variant has not been reported in the literature in individuals with CACNA1D-related conditions. In summary, the available evidence is currently insufficient to determine the role of this variant in disease. Therefore, it has been classified as a Variant of Uncertain Significance. Algorithms developed to predict the effect of missense changes on protein structure and function are either unavailable or do not agree on the potential impact of this missense change (SIFT: "Deleterious"; PolyPhen-2: "Probably Damaging"; Align-GVGD: "Class C15"). This variant is not present in population databases (ExAC no frequency). This sequence change replaces methionine with valine at codon 1039 of the CACNA1D protein (p.Met1039Val). The methionine residue is highly conserved and there is a small physicochemical difference between methionine and valine.

NM_001128840.3(CACNA1D):c.3055A>G (p.Met1019Val)

Gene: CACNA1D (calcium voltage-gated channel subunit alpha1 D; plus strand). Cytogenetic location: 3p21.1.
Variant type: single nucleotide variant.
Coding change: c.3055A>G on transcript NM_001128840.3 (MANE Select); coding-DNA position 3055, A replaced by G.
Protein change: p.Met1019Val; replaces methionine 1019 with valine.
Molecular consequence: missense variant.
Genome position (GRCh38, 1-based): chr3:53,745,672, A>G. VCF-style: chr3-53745672-A-G. GRCh37 (hg19) VCF-style: chr3-53779699-A-G.
Other names: c.3115A>G, p.Met1039Val (NM_000720.4); c.3055A>G, p.Met1019Val (NM_001128839.3); short protein forms M1019V, M1039V.
Identifiers: ClinVar variation 1353595 (VCV001353595.8), dbSNP rs2108842450, ClinGen allele CA353246403.